The following is an entry in ClinVar:

NM_014956.5(CEP164):c.2585T>G (p.Met862Arg)

Gene: CEP164 (centrosomal protein 164; plus strand). Cytogenetic location: 11q23.3.
Variant type: single nucleotide variant.
Coding change: c.2585T>G on transcript NM_014956.5 (MANE Select); coding-DNA position 2585, T replaced by G.
Protein change: p.Met862Arg; replaces methionine 862 with arginine.
Molecular consequence: missense variant.
Genome position (GRCh38, 1-based): chr11:117,393,095, T>G. VCF-style: chr11-117393095-T-G. GRCh37 (hg19) VCF-style: chr11-117263811-T-G.
Other names: c.2594T>G, p.Met865Arg (NM_001271933.2, NM_001440949.1); c.2585T>G, p.Met862Arg (NM_001440950.1, NM_001440951.1, NM_001440953.1); c.2420T>G, p.Met807Arg (NM_001440952.1, NM_001440968.1, NM_001440969.1); c.2507T>G, p.Met836Arg (NM_001440954.1, NM_001440955.1, NM_001440958.1 and 1 more transcripts); c.2498T>G, p.Met833Arg (NM_001440956.1, NM_001440957.1); c.2456T>G, p.Met819Arg (NM_001440960.1); c.2447T>G, p.Met816Arg (NM_001440961.1, NM_001440967.1); c.2438T>G, p.Met813Arg (NM_001440962.1, NM_001440963.1, NM_001440964.1 and 4 more transcripts); and 7 more; short protein forms M717R, M816R, M819R, M766R, M743R, M862R, M737R, M807R.
Identifiers: ClinVar variation 4986324 (VCV004986324.1).

ClinVar aggregate classification (germline): Uncertain significance (1 of 4 stars; one submission).

Conditions:
CEP164-related disorder. Also called: CEP164-related condition.

gnomAD v4.1: 4 of 1,613,432 alleles (0.00025%); highest among the groups gnomAD compares: Non-Finnish European, 0.00034%; no homozygotes.

Submission:

PreventionGenetics, part of Exact Sciences
Classification: Uncertain significance for CEP164-related condition. Last evaluated: 2026-01-13. Review status: criteria provided, single submitter. Criteria: ACMG Guidelines, 2015. Collection method: clinical testing. Allele origin: germline.
Comment: The CEP164 c.2585T>G variant is predicted to result in the amino acid substitution p.Met862Arg. To our knowledge, this variant has not been reported in the literature. This variant is reported in 0.0023% of alleles in individuals of European (Non-Finnish) descent in gnomAD. At this time, the clinical significance of this variant is uncertain due to the absence of conclusive functional and genetic evidence.